The following is an entry in ClinVar:

ClinVar aggregate classification (germline): Uncertain significance (1 of 4 stars; one submission).

gnomAD v4.1: 11 of 1,613,588 alleles (0.00068%); highest among the groups gnomAD compares: Non-Finnish European, 0.00093%; no homozygotes.

Submission:

Labcorp Genetics (formerly Invitae), Labcorp
Classification: Uncertain significance. Last evaluated: 2023-08-14. Review status: criteria provided, single submitter. Criteria: Invitae Variant Classification Sherloc (09022015). Collection method: clinical testing. Allele origin: germline.
Comment: In summary, the available evidence is currently insufficient to determine the role of this variant in disease. Therefore, it has been classified as a Variant of Uncertain Significance. An algorithm developed to predict the effect of missense changes on protein structure and function (PolyPhen-2) suggests that this variant is likely to be tolerated. This variant has not been reported in the literature in individuals affected with PDE4D-related conditions. This variant is not present in population databases (gnomAD no frequency). This sequence change replaces valine, which is neutral and non-polar, with leucine, which is neutral and non-polar, at codon 784 of the PDE4D protein (p.Val784Leu).

NM_001104631.2(PDE4D):c.2350G>C (p.Val784Leu)

Gene: PDE4D (phosphodiesterase 4D; minus strand). Cytogenetic location: 5q11.2.
Variant type: single nucleotide variant.
Coding change: c.2350G>C on transcript NM_001104631.2 (MANE Select); coding-DNA position 2350, G replaced by C.
Protein change: p.Val784Leu; replaces valine 784 with leucine.
Molecular consequence: missense variant.
Genome position (GRCh38, 1-based): chr5:58,974,744, C>G on the plus strand (G>C on the coding strand, the complement: PDE4D is on the minus strand). VCF-style: chr5-58974744-C-G. GRCh37 (hg19) VCF-style: chr5-58270571-C-G.
Other names: c.2167G>C, p.Val723Leu (NM_001165899.2, NM_001364599.1); c.2158G>C, p.Val720Leu (NM_001197218.2); c.1984G>C, p.Val662Leu (NM_001197219.2); c.1960G>C, p.Val654Leu (NM_001197220.2); c.1444G>C, p.Val482Leu (NM_001197221.2, NM_001364603.1); c.1678G>C, p.Val560Leu (NM_001197222.2); c.1477G>C, p.Val493Leu (NM_001197223.2); c.2137G>C, p.Val713Leu (NM_001349241.2); and 3 more; short protein forms V482L, V674L, V648L, V662L, V528L, V560L, V720L, V723L.
Identifiers: ClinVar variation 2788326 (VCV002788326.3), dbSNP rs1743288528, ClinGen allele CA359812240.